The following is an entry in ClinVar:

NM_001288953.2(TTC7A):c.15G>A (p.Ser5=)

Genes: MCFD2 (multiple coagulation factor deficiency 2, ER cargo receptor complex subunit; minus strand), TTC7A (tetratricopeptide repeat domain 7A; plus strand). Cytogenetic location: 2p21.
Variant type: single nucleotide variant.
Coding change: c.15G>A on transcript NM_001288953.2; coding-DNA position 15, G replaced by A.
Protein change: p.Ser5=; no amino-acid change (serine 5 retained).
Molecular consequence: synonymous variant. On other transcripts: intron variant (2).
Genome position (GRCh38, 1-based): chr2:46,917,210, G>A. VCF-style: chr2-46917210-G-A. GRCh37 (hg19) VCF-style: chr2-47144349-G-A.
Other names: c.-6-8033C>T (NM_001171508.2); c.93-9241C>T (NM_001171511.3).
Identifiers: ClinVar variation 2650876 (VCV002650876.22), dbSNP rs1411345959, ClinGen allele CA425946602.

ClinVar aggregate classification (germline): Likely benign (1 of 4 stars; one submission).

Allele frequency attached by ClinVar (database versions not stated): TOPMed 0.00001.
gnomAD v4.1: 2 of 700,628 alleles (0.00029%); highest among the groups gnomAD compares: Non-Finnish European, 0.00026%; no homozygotes.

Submission:

CeGaT Center for Human Genetics Tuebingen
Classification: Likely benign. Last evaluated: 2023-02-01. Review status: criteria provided, single submitter. Criteria: CeGaT Center For Human Genetics Tuebingen Variant Classification Criteria Version 2. Collection method: clinical testing. Allele origin: germline. Affected: yes. Observed: 1 variant allele.
Comment: TTC7A: BP4, BP7